The following is an entry in ClinVar:

ClinVar aggregate classification (germline): Likely benign. Review status: criteria provided, multiple submitters, no conflicts (2 of 4 stars). 3 submissions from 3 submitters: Likely benign (3). Last evaluated 2026-08-17.

Conditions:
Hereditary cancer-predisposing syndrome. Also called: Hereditary Cancer Syndrome; Hereditary neoplastic syndrome; Neoplastic Syndromes, Hereditary; Tumor predisposition. Identifiers: Orphanet 140162, MedGen C0027672, MeSH D009386, MONDO:0015356.
DICER1-related tumor predisposition. Also called: DICER1-related pleuropulmonary blastoma cancer predisposition syndrome; DICER1 syndrome. Identifiers: Orphanet 284343, MedGen C3839822, MONDO:0100216.

Submissions (3):

Myriad Genetics, Inc.
Classification: Likely benign for DICER1-related tumor predisposition. Last evaluated: 2026-08-17. Review status: criteria provided, single submitter. Criteria: Myriad Autosomal Dominant, Autosomal Recessive and X-Linked Classification Criteria (2023). Collection method: clinical testing. Allele origin: unknown.
Comment: This variant is considered likely benign. This variant is intronic and is not expected to impact mRNA splicing.

Labcorp Genetics (formerly Invitae), Labcorp
Classification: Likely benign for DICER1-related tumor predisposition. Last evaluated: 2024-02-20. Review status: criteria provided, single submitter. Criteria: Invitae Variant Classification Sherloc (09022015). Collection method: clinical testing. Allele origin: germline.

Ambry Genetics
Classification: Likely benign for Hereditary cancer-predisposing syndrome. Last evaluated: 2019-05-24. Review status: criteria provided, single submitter. Criteria: Ambry Variant Classification Scheme 2023. Collection method: clinical testing. Allele origin: germline.

NM_177438.3(DICER1):c.2437-4T>C

Gene: DICER1 (dicer 1, ribonuclease III; minus strand). Cytogenetic location: 14q32.13.
Variant type: single nucleotide variant.
Coding change: c.2437-4T>C on transcript NM_177438.3 (MANE Select); 4 bases into the intron before coding-DNA position 2437, T replaced by C.
Molecular consequence: intron variant.
Genome position (GRCh38, 1-based): chr14:95,108,097, A>G on the plus strand (T>C on the coding strand, the complement: DICER1 is on the minus strand). VCF-style: chr14-95108097-A-G. GRCh37 (hg19) VCF-style: chr14-95574434-A-G.
Other names: c.2437-4T>C (NM_001291628.2, NM_030621.4, NM_001271282.3 and 1 more transcripts).
Identifiers: ClinVar variation 412130 (VCV000412130.15), dbSNP rs1060503632, ClinGen allele CA16614365.